The following is an entry in ClinVar:

ClinVar aggregate classification (germline): Pathogenic (1 of 4 stars; one submission).

Submission:

GeneDx
Classification: Pathogenic. Last evaluated: 2018-01-16. Review status: criteria provided, single submitter. Criteria: GeneDx Variant Classification (06012015). Collection method: clinical testing. Allele origin: germline. Affected: yes.
Comment: The c.607_611delGTCAC pathogenic variant in the SCN1A gene causes a frameshift starting with codon Valine 203, changes this amino acid to an Arginine residue and creates a premature Stop codon at position 72 of the new reading frame, denoted p.Val203ArgfsX72. This pathogenic variant is predicted to cause loss of normal protein function either through protein truncation or nonsense-mediated mRNA decay.

NM_001165963.4(SCN1A):c.607_611del (p.Val203fs)

Gene: SCN1A (sodium voltage-gated channel alpha subunit 1; minus strand). Cytogenetic location: 2q24.3.
Variant type: Deletion.
Coding change: c.607_611del on transcript NM_001165963.4 (MANE Select); coding-DNA positions 607 to 611, 5 bases deleted (GTCAC; older notation c.607_611delGTCAC).
Protein change: p.Val203fs; shifts the reading frame from valine 203.
Molecular consequence: frameshift variant. On other transcripts: 5 prime UTR variant (1), non-coding transcript variant (1).
Genome position (GRCh38, 1-based): chr2:166,052,935-166,052,939, GTGAC deleted on the plus strand (GTCAC on the coding strand, the reverse complement: SCN1A is on the minus strand); deleting any 5 consecutive bases within chr2:166,052,935-166,052,941 gives the same sequence; the c. name uses the placement nearest the transcript's 3' end. VCF-style (leftmost placement, unchanged base first): chr2-166052934-TGTGAC-T. GRCh37 (hg19) VCF-style: chr2-166909444-TGTGAC-T.
Other names: c.607_611del, p.Val203fs (NM_001165964.3, NM_001202435.3, NM_001353948.2 and 10 more transcripts); c.-1819_-1815del (NM_001353961.2); short protein forms V203fs.
Identifiers: ClinVar variation 504036 (VCV000504036.2), dbSNP rs1553550625, ClinGen allele CA658795933.